The following is an entry in ClinVar:

ClinVar aggregate classification (germline): Uncertain significance (1 of 4 stars; one submission).

Submission:

GeneDx
Classification: Uncertain significance. Last evaluated: 2024-03-10. Review status: criteria provided, single submitter. Criteria: GeneDx Variant Classification Process June 2021. Collection method: clinical testing. Allele origin: germline. Affected: yes.
Comment: Not observed at significant frequency in large population cohorts (gnomAD); In silico analysis supports that this missense variant does not alter protein structure/function; Has not been previously published as pathogenic or benign to our knowledge

NM_022455.5(NSD1):c.7756G>A (p.Gly2586Ser)

Gene: NSD1 (nuclear receptor binding SET domain protein 1; plus strand). Cytogenetic location: 5q35.3.
Variant type: single nucleotide variant.
Coding change: c.7756G>A on transcript NM_022455.5 (MANE Select); coding-DNA position 7756, G replaced by A.
Protein change: p.Gly2586Ser; replaces glycine 2586 with serine.
Molecular consequence: missense variant.
Genome position (GRCh38, 1-based): chr5:177,295,124, G>A. VCF-style: chr5-177295124-G-A. GRCh37 (hg19) VCF-style: chr5-176722125-G-A.
Other names: c.6883G>A, p.Gly2295Ser (NM_001365684.2, NM_001409308.1, NM_172349.5); c.7756G>A, p.Gly2586Ser (NM_001409301.1, NM_001409302.1, NM_001409303.1); c.7336G>A, p.Gly2446Ser (NM_001409304.1); c.7003G>A, p.Gly2335Ser (NM_001409305.1); c.6994G>A, p.Gly2332Ser (NM_001409306.1, NM_001409307.1); c.6634G>A, p.Gly2212Ser (NM_001409309.1); short protein forms G2212S, G2295S, G2332S, G2335S, G2446S, G2586S.
Identifiers: ClinVar variation 3370816 (VCV003370816.1).